The following is an entry in ClinVar:

NM_001382567.1(STIM1):c.182A>G (p.Glu61Gly)

Gene: STIM1 (stromal interaction molecule 1; plus strand). Cytogenetic location: 11p15.4.
Variant type: single nucleotide variant.
Coding change: c.182A>G on transcript NM_001382567.1 (MANE Select); coding-DNA position 182, A replaced by G.
Protein change: p.Glu61Gly; replaces glutamic acid 61 with glycine.
Molecular consequence: missense variant. On other transcripts: 5 prime UTR variant (8), non-coding transcript variant (3), intron variant (4).
Genome position (GRCh38, 1-based): chr11:3,967,594, A>G. VCF-style: chr11-3967594-A-G. GRCh37 (hg19) VCF-style: chr11-3988824-A-G.
Other names: p.Glu61Gly; c.182A>G, p.Glu61Gly (NM_001277961.3, NM_001277962.2, NM_001382568.1 and 3 more transcripts); c.-41A>G (NM_001382566.1, NM_001382573.1, NM_001382574.1 and 5 more transcripts); c.-219-56279A>G (NM_001382580.1, NM_001382581.1); c.136-56279A>G (NM_001382569.1); c.-98-56279A>G (NM_001382571.1); short protein forms E61G.
Identifiers: ClinVar variation 663469 (VCV000663469.11), dbSNP rs202160755, ClinGen allele CA5830152.

ClinVar aggregate classification (germline): Conflicting classifications of pathogenicity. Review status: criteria provided, conflicting classifications (1 of 4 stars). 3 submissions from 3 submitters: Uncertain significance (1); Likely benign (1). 1 of the submissions does not count toward it. Last evaluated 2026-02-01.

Conditions:
Stormorken syndrome (STRMK). Also called: THROMBOCYTOPATHY, ASPLENIA, AND MIOSIS. Identifiers: Orphanet 3204, MedGen C1861451, MONDO:0008497, OMIM 185070.
Combined immunodeficiency due to STIM1 deficiency. Also called: IMMUNODEFICIENCY 10; STIM1 DEFICIENCY. Identifiers: Orphanet 169090, Orphanet 317430, MedGen C2748557, MONDO:0013008, OMIM 612783.
Myopathy with tubular aggregates (TAM). Also called: Tubular Aggregate Myopathy. Identifiers: Orphanet 2593, MedGen C0410207, MONDO:0008051.

Allele frequency attached by ClinVar (database versions not stated): gnomAD exomes 0.00006 and 0.00010; ExAC 0.00005; gnomAD 0.00008 and 0.00007; TOPMed 0.00008; ESP Exome Variant Server 0.00015.
gnomAD v4.1: 152 of 1,614,086 alleles (0.0094%); highest among the groups gnomAD compares: Non-Finnish European, 0.013%; no homozygotes.

Submissions (3):

Labcorp Genetics (formerly Invitae), Labcorp
Classification: Uncertain significance for Myopathy with tubular aggregates; Combined immunodeficiency due to STIM1 deficiency; Stormorken syndrome. Last evaluated: 2026-02-01. Review status: criteria provided, single submitter. Criteria: Invitae Variant Classification Sherloc (09022015). Collection method: clinical testing. Allele origin: germline.
Comment: This sequence change replaces glutamic acid, which is acidic and polar, with glycine, which is neutral and non-polar, at codon 61 of the STIM1 protein (p.Glu61Gly). This variant is present in population databases (rs202160755, gnomAD 0.01%). This variant has not been reported in the literature in individuals affected with STIM1-related conditions. ClinVar contains an entry for this variant (Variation ID: 663469). Invitae Evidence Modeling of protein sequence and biophysical properties (such as structural, functional, and spatial information, amino acid conservation, physicochemical variation, residue mobility, and thermodynamic stability) has been performed for this missense variant. However, the output from this modeling did not meet the statistical confidence thresholds required to predict the impact of this variant on STIM1 protein function. In summary, the available evidence is currently insufficient to determine the role of this variant in disease. Therefore, it has been classified as a Variant of Uncertain Significance.

Mayo Clinic Laboratories, Mayo Clinic
Classification: Likely benign. Last evaluated: 2025-03-24. Review status: criteria provided, single submitter. Criteria: ACMG Guidelines, 2015. Collection method: clinical testing. Allele origin: germline. Observed: 1 variant allele.
Comment: BS1, BP4, PM1_supporting

ISTH-SSC Genomics in Thrombosis and Hemostasis, KU Leuven, Center for Molecular and Vascular Biology
Classification: Uncertain significance for Stormorken syndrome. Review status: no assertion criteria provided. Collection method: research. Allele origin: unknown. Affected: yes. Not counted in ClinVar's aggregate classification.
Comment: Submitted to GoldVariant by Neil Morgan from Birmingham Platelet Group, Birmingham, UK

Literature cited by the submitters: PubMed 30349881 (cited by Mayo Clinic Laboratories, Mayo Clinic).